The following is an entry in ClinVar:

NM_001199138.2(NLRC4):c.833C>G (p.Thr278Ser)

Gene: NLRC4 (NLR family CARD domain containing 4; minus strand). Cytogenetic location: 2p22.3.
Variant type: single nucleotide variant.
Coding change: c.833C>G on transcript NM_001199138.2 (MANE Select); coding-DNA position 833, C replaced by G.
Protein change: p.Thr278Ser; replaces threonine 278 with serine.
Molecular consequence: missense variant. On other transcripts: intron variant (1).
Genome position (GRCh38, 1-based): chr2:32,251,031, G>C on the plus strand (C>G on the coding strand, the complement: NLRC4 is on the minus strand). VCF-style: chr2-32251031-G-C. GRCh37 (hg19) VCF-style: chr2-32476100-G-C.
Other names: c.833C>G, p.Thr278Ser (NM_001199139.2, NM_021209.5); c.262+1388C>G (NM_001302504.1); short protein forms T278S.
Identifiers: ClinVar variation 4782998 (VCV004782998.1).

ClinVar aggregate classification (germline): Uncertain significance (1 of 4 stars; one submission).

Conditions:
Periodic fever-infantile enterocolitis-autoinflammatory syndrome. Also called: Autoinflammation with infantile enterocolitis. Identifiers: Orphanet 436166, MedGen C4015067, MONDO:0014472, OMIM 616050.
Familial cold autoinflammatory syndrome 4 (FCAS4). Identifiers: Orphanet 47045, Orphanet 576349, MedGen C4015276, MONDO:0014498, OMIM 616115.

gnomAD v4.1: 2 of 1,614,198 alleles (0.00012%); highest among the groups gnomAD compares: Non-Finnish European, 0.00017%; no homozygotes.

Submission:

Labcorp Genetics (formerly Invitae), Labcorp
Classification: Uncertain significance for Periodic fever-infantile enterocolitis-autoinflammatory syndrome; Familial cold autoinflammatory syndrome 4. Last evaluated: 2025-06-08. Review status: criteria provided, single submitter. Criteria: Invitae Variant Classification Sherloc (09022015). Collection method: clinical testing. Allele origin: germline.
Comment: This sequence change replaces threonine, which is neutral and polar, with serine, which is neutral and polar, at codon 278 of the NLRC4 protein (p.Thr278Ser). This variant is present in population databases (rs748803880, gnomAD 0.0009%). This variant has not been reported in the literature in individuals affected with NLRC4-related conditions. Invitae Evidence Modeling of protein sequence and biophysical properties (such as structural, functional, and spatial information, amino acid conservation, physicochemical variation, residue mobility, and thermodynamic stability) indicates that this missense variant is not expected to disrupt NLRC4 protein function with a negative predictive value of 80%. In summary, the available evidence is currently insufficient to determine the role of this variant in disease. Therefore, it has been classified as a Variant of Uncertain Significance.